The following is an entry in ClinVar:

ClinVar aggregate classification (germline): Uncertain significance. Review status: criteria provided, multiple submitters, no conflicts (2 of 4 stars). 2 submissions from 2 submitters: Uncertain significance (2). Last evaluated 2024-06-17.

Conditions:
Hereditary cancer-predisposing syndrome. Also called: Tumor predisposition; Hereditary neoplastic syndrome; Neoplastic Syndromes, Hereditary; Hereditary Cancer Syndrome. Identifiers: Orphanet 140162, MedGen C0027672, MeSH D009386, MONDO:0015356.
Ataxia-telangiectasia syndrome (AT). Also called: Ataxia-telangiectasia, complementation group D; Cerebello-oculocutaneous telangiectasia; Immunodeficiency with ataxia telangiectasia; LOUIS-BAR SYNDROME; Ataxia-telangiectasia; AT, COMPLEMENTATION GROUP C. Identifiers: Orphanet 100, MedGen C0004135, MONDO:0008840, OMIM 208900.

Allele frequency attached by ClinVar (database versions not stated): gnomAD exomes below 0.00001.
gnomAD v4.1: 3 of 1,614,138 alleles (0.00019%); highest among the groups gnomAD compares: African/African-American, 0.0013%; no homozygotes.

Submissions (2):

Labcorp Genetics (formerly Invitae), Labcorp
Classification: Uncertain significance for Ataxia-telangiectasia syndrome. Last evaluated: 2024-06-17. Review status: criteria provided, single submitter. Criteria: Invitae Variant Classification Sherloc (09022015). Collection method: clinical testing. Allele origin: germline.
Comment: This sequence change replaces glutamic acid, which is acidic and polar, with valine, which is neutral and non-polar, at codon 964 of the ATM protein (p.Glu964Val). This variant is not present in population databases (gnomAD no frequency). This variant has not been reported in the literature in individuals affected with ATM-related conditions. ClinVar contains an entry for this variant (Variation ID: 926597). An algorithm developed to predict the effect of missense changes on protein structure and function (PolyPhen-2) suggests that this variant is likely to be tolerated. Algorithms developed to predict the effect of sequence changes on RNA splicing suggest that this variant may disrupt the consensus splice site. In summary, the available evidence is currently insufficient to determine the role of this variant in disease. Therefore, it has been classified as a Variant of Uncertain Significance.

Color Diagnostics, LLC DBA Color Health
Classification: Uncertain significance for Hereditary cancer-predisposing syndrome. Last evaluated: 2024-03-06. Review status: criteria provided, single submitter. Criteria: ACMG Guidelines, 2015. Collection method: clinical testing. Allele origin: germline.
Comment: This missense variant replaces glutamic acid with valine at codon 964 of the ATM protein. Computational prediction suggests that this variant may not impact protein structure and function (internally defined REVEL score threshold <= 0.5, PMID: 27666373). To our knowledge, functional studies have not been reported for this variant. This variant has not been reported in individuals affected with hereditary cancer in the literature. This variant has not been identified in the general population by the Genome Aggregation Database (gnomAD). The available evidence is insufficient to determine the role of this variant in disease conclusively. Therefore, this variant is classified as a Variant of Uncertain Significance.

NM_000051.4(ATM):c.2891A>T (p.Glu964Val)

Gene: ATM (ATM serine/threonine kinase; plus strand). Cytogenetic location: 11q22.3.
Variant type: single nucleotide variant.
Coding change: c.2891A>T on transcript NM_000051.4 (MANE Select); coding-DNA position 2891, A replaced by T.
Protein change: p.Glu964Val; replaces glutamic acid 964 with valine.
Molecular consequence: missense variant.
Genome position (GRCh38, 1-based): chr11:108,271,116, A>T. VCF-style: chr11-108271116-A-T. GRCh37 (hg19) VCF-style: chr11-108141843-A-T.
Other names: c.2891A>T, p.Glu964Val (NM_001351834.2); short protein forms E964V.
Identifiers: ClinVar variation 926597 (VCV000926597.6), dbSNP rs2081551575, ClinGen allele CA382546897.